The following is an entry in ClinVar:

NM_000262.3(NAGA):c.230T>C (p.Ile77Thr)

Genes: NAGA (alpha-N-acetylgalactosaminidase; minus strand), LOC126863160 (CDK7 strongly-dependent group 2 enhancer GRCh37_chr22:42462918-42464117; plus strand). Cytogenetic location: 22q13.2.
Variant type: single nucleotide variant.
Coding change: c.230T>C on transcript NM_000262.3 (MANE Select); coding-DNA position 230, T replaced by C.
Protein change: p.Ile77Thr; replaces isoleucine 77 with threonine.
Molecular consequence: missense variant.
Genome position (GRCh38, 1-based): chr22:42,067,859, A>G on the plus strand (T>C on the coding strand, the complement: NAGA is on the minus strand). VCF-style: chr22-42067859-A-G. GRCh37 (hg19) VCF-style: chr22-42463863-A-G.
Other names: c.230T>C, p.Ile77Thr (NM_001362848.1, NM_001362850.1); c.230T>C (NM_000262.2); short protein forms I77T.
Identifiers: ClinVar variation 1043247 (VCV001043247.8), dbSNP rs375884363, ClinGen allele CA10263898.
Genomic context (GRCh38, chr22:42,067,859, plus strand): 5'-CGCTTGGGATCCGGCATCAGGCGGCCACTGGCATCGCGACCACCGATCCAGCAGTCATCA[A>G]TGTTGAGGTATGTGTAGCCCATGTCCCGCCATCCATCCTGTGCCATCCGGTCAGCCATCT-3'
Protein context (NP_000253.1, residues 67-87): WRDMGYTYLN[Ile77Thr]DDCWIGGRDA

ClinVar aggregate classification (germline): Uncertain significance. Review status: criteria provided, multiple submitters, no conflicts (2 of 4 stars). 3 submissions from 3 submitters: Uncertain significance (3). Last evaluated 2024-11-20.

Conditions:
Inborn genetic diseases. Identifiers: MedGen C0950123, MeSH D030342.
Alpha-N-acetylgalactosaminidase deficiency type 1. Also called: NAGA DEFICIENCY, TYPE I; NEUROAXONAL DYSTROPHY, SCHINDLER TYPE; SCHINDLER DISEASE, TYPE I; ALPHA-N-ACETYLGALACTOSAMINIDASE DEFICIENCY, TYPE I. Identifiers: Orphanet 3137, Orphanet 79279, Orphanet 79281, MedGen C1836544, MONDO:0012221, OMIM 609241.

Allele frequency attached by ClinVar (database versions not stated): gnomAD exomes 0.00001 and 0.00002; ExAC 0.00002; ESP Exome Variant Server 0.00008; gnomAD 0.00010 and 0.00011; TOPMed 0.00010.
gnomAD v4.1: 34 of 1,613,486 alleles (0.0021%); highest among the groups gnomAD compares: African/African-American, 0.024%; no homozygotes.

Submissions (3):

Ambry Genetics
Classification: Uncertain significance for Inborn genetic diseases. Last evaluated: 2024-11-20. Review status: criteria provided, single submitter. Criteria: Ambry Variant Classification Scheme 2023. Collection method: clinical testing. Allele origin: germline.

Women's Health and Genetics/Laboratory Corporation of America, LabCorp
Classification: Uncertain significance. Last evaluated: 2024-09-11. Review status: criteria provided, single submitter. Criteria: LabCorp Variant Classification Summary - May 2015. Collection method: clinical testing. Allele origin: germline.
Comment: Variant summary: NAGA c.230T>C (p.Ile77Thr) results in a non-conservative amino acid change in the encoded protein sequence. Five of five in-silico tools predict a damaging effect of the variant on protein function. The variant allele was found at a frequency of 2e-05 in 250822 control chromosomes. The available data on variant occurrences in the general population are insufficient to allow any conclusion about variant significance. To our knowledge, no occurrence of c.230T>C in individuals affected with Kanzaki Disease and no experimental evidence demonstrating its impact on protein function have been reported. ClinVar contains an entry for this variant (Variation ID: 1043247). Based on the evidence outlined above, the variant was classified as uncertain significance.

Labcorp Genetics (formerly Invitae), Labcorp
Classification: Uncertain significance for Alpha-N-acetylgalactosaminidase deficiency type 1. Last evaluated: 2021-09-01. Review status: criteria provided, single submitter. Criteria: Invitae Variant Classification Sherloc (09022015). Collection method: clinical testing. Allele origin: germline.
Comment: This sequence change replaces isoleucine with threonine at codon 77 of the NAGA protein (p.Ile77Thr). The isoleucine residue is highly conserved and there is a moderate physicochemical difference between isoleucine and threonine. This variant is present in population databases (rs375884363, ExAC 0.02%). This variant has not been reported in the literature in individuals affected with NAGA-related conditions. Algorithms developed to predict the effect of missense changes on protein structure and function are either unavailable or do not agree on the potential impact of this missense change (SIFT: "Deleterious"; PolyPhen-2: "Probably Damaging"; Align-GVGD: "Class C0"). In summary, the available evidence is currently insufficient to determine the role of this variant in disease. Therefore, it has been classified as a Variant of Uncertain Significance.